The following is an entry in ClinVar:

NM_000135.4(FANCA):c.416_417del (p.Val139fs)

Gene: FANCA (FA complementation group A; minus strand). Cytogenetic location: 16q24.3.
Variant type: Microsatellite.
Coding change: c.416_417del on transcript NM_000135.4 (MANE Select); coding-DNA positions 416 to 417, 2 bases deleted (TG; older notation c.416_417delTG).
Protein change: p.Val139fs; shifts the reading frame from valine 139.
Molecular consequence: frameshift variant.
Genome position (GRCh38, 1-based): chr16:89,810,938-89,810,939, CA deleted on the plus strand (TG on the coding strand, the reverse complement: FANCA is on the minus strand); deleting any 2 consecutive bases within chr16:89,810,938-89,810,941 gives the same sequence; the c. name uses the placement nearest the transcript's 3' end. VCF-style (leftmost placement, unchanged base first): chr16-89810937-CCA-C. GRCh37 (hg19) VCF-style: chr16-89877345-CCA-C.
Other names: c.416_417del (NM_000135.2); c.416_417del, p.Val139fs (NM_001018112.3, NM_001286167.3, NM_001351830.2); c.416_417delTG (NM_000135.3); short protein forms V139fs.
Identifiers: ClinVar variation 219633 (VCV000219633.17), dbSNP rs864622188, ClinGen allele CA349999.

ClinVar aggregate classification (germline): Pathogenic. Review status: criteria provided, multiple submitters, no conflicts (2 of 4 stars). 5 submissions from 5 submitters: Pathogenic (4). 1 of the submissions does not count toward it. Last evaluated 2025-09-29.

Conditions:
Fanconi anemia (FA). Also called: Fanconi's anemia. Identifiers: Orphanet 84, MedGen C0015625, MeSH D005199, MONDO:0019391.
Fanconi anemia complementation group A (FANCA). Also called: FANCA-Related Fanconi Anemia; Fanconi anemia, group A. Identifiers: Orphanet 84, MedGen C3469521, MONDO:0009215, OMIM 227650.

Submissions (5):

Natera, Inc.
Classification: Pathogenic for Fanconi anemia. Last evaluated: 2025-09-29. Review status: criteria provided, single submitter. Criteria: Natera Variant Classification Schema (03/2026). Collection method: clinical testing. Allele origin: germline.
Comment: The c.416_417delTG variant in FANCA is a frameshift variant predicted to shift the reading frame beginning at codon 139 and leads to a stop codon 41 codons downstream. This variant is expected to result in nonsense mediated decay, truncation, or a dysfunctional protein product. This variant is rare in the general population with a frequency below the threshold expected for the associated phenotype(s). This variant has been observed in one or more individuals affected with the associated recessive disease, as either homozygous or compound heterozygous with a second variant (PMID: 34585473). Given the available evidence, this variant is classified as Pathogenic.

Labcorp Genetics (formerly Invitae), Labcorp
Classification: Pathogenic for Fanconi anemia. Last evaluated: 2024-09-29. Review status: criteria provided, single submitter. Criteria: Invitae Variant Classification Sherloc (09022015). Collection method: clinical testing. Allele origin: germline.
Comment: This sequence change creates a premature translational stop signal (p.Val139Glyfs*41) in the FANCA gene. It is expected to result in an absent or disrupted protein product. Loss-of-function variants in FANCA are known to be pathogenic (PMID: 19367192). This variant is not present in population databases (gnomAD no frequency). This premature translational stop signal has been observed in individual(s) with Fanconi anemia (PMID: 15643609). ClinVar contains an entry for this variant (Variation ID: 219633). For these reasons, this variant has been classified as Pathogenic.

Fulgent Genetics
Classification: Pathogenic for Fanconi anemia complementation group A. Last evaluated: 2024-02-14. Review status: criteria provided, single submitter. Criteria: ACMG Guidelines, 2015. Collection method: clinical testing. Allele origin: germline.

Baylor Genetics
Classification: Pathogenic for Fanconi anemia complementation group A. Last evaluated: 2023-12-24. Review status: criteria provided, single submitter. Criteria: ACMG Guidelines, 2015. Collection method: clinical testing. Allele origin: unknown.

Leiden Open Variation Database
Classification: Pathogenic for Fanconi anemia complementation group A. Last evaluated: 2020-02-28. Review status: no assertion criteria provided. Collection method: curation. Allele origin: germline. Affected: yes. Not counted in ClinVar's aggregate classification.
Comment: Curator: Arleen D. Auerbach. Submitters to LOVD: Arleen D. Auerbach, Sue Richards.

Literature cited by the submitters: PubMed 34585473 (cited by Natera, Inc.); PubMed 19367192 (cited by Labcorp Genetics (formerly Invitae), Labcorp); PubMed 15643609 (cited by Labcorp Genetics (formerly Invitae), Labcorp).